The following is an entry in ClinVar:

ClinVar aggregate classification (germline): Conflicting classifications of pathogenicity. Review status: criteria provided, conflicting classifications (1 of 4 stars). 2 submissions from 2 submitters: Likely pathogenic (1); Uncertain significance (1). Last evaluated 2024-11-04.

Conditions:
Spastic paraplegia. Identifiers: MedGen C0037772, HP:0001258.
Hereditary spastic paraplegia. Also called: Familial spastic paraparesis. Identifiers: Orphanet 685, MedGen C0037773, MONDO:0019064. Disease mechanism: loss of function.

Submissions (2):

Molecular Genetics, Royal Melbourne Hospital
Classification: Likely pathogenic for Hereditary spastic paraplegia. Last evaluated: 2024-11-04. Review status: criteria provided, single submitter. Criteria: ACMG Guidelines, 2015. Collection method: clinical testing. Allele origin: germline. Inheritance: Autosomal dominant inheritance. Affected: yes.
Comment: This sequence change in KIF5A is predicted to replace arginine with threonine at codon 286, p.(Arg286Thr). The arginine residue is highly conserved (100 vertebrates, Multiz Alignments), and is located in the kinesin motor domain a region (amino acids 44-327) defined as a mutational hotspot hereditary spastic paraplegia (HSP) and Charcot-Marie Tooth associated missense variants (PMID: 25008398). There is a moderate physicochemical difference between arginine and threonine. This variant is absent from the population database gnomAD v4.1. This variant has been detected in at least two probands with hereditary spastic paraplegia (HSP) (Labcorp genetics (formerly Invitae); Royal Melbourne Hospital). Computational evidence predicts a deleterious effect for the missense substitution (REVEL = 0.91) and predicts no impact on splicing (SpliceAI) for the nucleotide change. Based on the classification scheme RMH Modified ACMG/AMP Guidelines v1.7.1, this variant is classified as LIKELY PATHOGENIC. Following criteria are met: PM1, PM2_Supporting, PP3_Moderate, PS4_Supporting.

Labcorp Genetics (formerly Invitae), Labcorp
Classification: Uncertain significance for Spastic paraplegia. Last evaluated: 2017-05-15. Review status: criteria provided, single submitter. Criteria: Invitae Variant Classification Sherloc (09022015). Collection method: clinical testing. Allele origin: germline.
Comment: This sequence change replaces arginine with threonine at codon 286 of the KIF5A protein (p.Arg286Thr). The arginine residue is highly conserved and there is a moderate physicochemical difference between arginine and threonine. In summary, this variant is a novel missense change with uncertain impact on protein function. It has been classified as a Variant of Uncertain Significance. Algorithms developed to predict the effect of missense changes on protein structure and function (SIFT, PolyPhen-2, Align-GVGD) all suggest that this variant is likely to be disruptive, but these predictions have not been confirmed by published functional studies. This variant is not present in population databases (ExAC no frequency) and has not been reported in the literature in individuals with a KIF5A-related disease.

Literature cited by the submitters: PubMed 25008398 (cited by Molecular Genetics, Royal Melbourne Hospital).

NM_004984.4(KIF5A):c.857G>C (p.Arg286Thr)

Gene: KIF5A (kinesin family member 5A; plus strand). Cytogenetic location: 12q13.3.
Variant type: single nucleotide variant.
Coding change: c.857G>C on transcript NM_004984.4 (MANE Select); coding-DNA position 857, G replaced by C.
Protein change: p.Arg286Thr; replaces arginine 286 with threonine.
Molecular consequence: missense variant.
Genome position (GRCh38, 1-based): chr12:57,569,293, G>C. VCF-style: chr12-57569293-G-C. GRCh37 (hg19) VCF-style: chr12-57963076-G-C.
Other names: c.590G>C, p.Arg197Thr (NM_001354705.2); short protein forms R286T, R197T.
Identifiers: ClinVar variation 458235 (VCV000458235.9), dbSNP rs1224640834, ClinGen allele CA385500572.